The following is an entry in ClinVar:

ClinVar aggregate classification (germline): Likely pathogenic. Review status: criteria provided, single submitter (1 of 4 stars). 2 submissions from 2 submitters: Likely pathogenic (1). 1 of the submissions does not count toward it. Last evaluated 2023-04-14.

Conditions:
Autosomal recessive polycystic kidney disease (ARPKD). Also called: AR polycystic kidney disease. Identifiers: Orphanet 731, Orphanet 8378, MedGen C0085548, MeSH D017044, MONDO:0009889.
Polycystic kidney disease 4 (PKD4). Also called: POLYCYSTIC KIDNEY DISEASE 4 WITH OR WITHOUT POLYCYSTIC LIVER DISEASE; POLYCYSTIC KIDNEY AND HEPATIC DISEASE 1; POLYCYSTIC KIDNEY DISEASE, INFANTILE, TYPE I; PKD3; Autosomal Recessive Polycystic Kidney Disease – PKHD1. Identifiers: MedGen C4540575, MONDO:0033004, OMIM 263200.

Submissions (2):

Labcorp Genetics (formerly Invitae), Labcorp
Classification: Likely pathogenic for Autosomal recessive polycystic kidney disease. Last evaluated: 2023-04-14. Review status: criteria provided, single submitter. Criteria: Invitae Variant Classification Sherloc (09022015). Collection method: clinical testing. Allele origin: germline.
Comment: This sequence change affects a donor splice site in intron 10 of the PKHD1 gene. It is expected to disrupt RNA splicing. Variants that disrupt the donor or acceptor splice site typically lead to a loss of protein function (PMID: 16199547), and loss-of-function variants in PKHD1 are known to be pathogenic (PMID: 19940839). This variant is not present in population databases (gnomAD no frequency). This variant has not been reported in the literature in individuals affected with PKHD1-related conditions. ClinVar contains an entry for this variant (Variation ID: 550700). Algorithms developed to predict the effect of sequence changes on RNA splicing suggest that this variant may disrupt the consensus splice site. In summary, the currently available evidence indicates that the variant is pathogenic, but additional data are needed to prove that conclusively. Therefore, this variant has been classified as Likely Pathogenic.

Counsyl
Classification: Likely pathogenic for Polycystic kidney disease 4. Last evaluated: 2017-02-09. Review status: no assertion criteria provided. Collection method: clinical testing. Allele origin: unknown. Not counted in ClinVar's aggregate classification.

Literature cited by the submitters: PubMed 16199547 (cited by Labcorp Genetics (formerly Invitae), Labcorp); PubMed 19940839 (cited by Labcorp Genetics (formerly Invitae), Labcorp).

NM_138694.4(PKHD1):c.707+2T>C

Gene: PKHD1 (PKHD1 ciliary IPT domain containing fibrocystin/polyductin; minus strand). Cytogenetic location: 6p12.2.
Variant type: single nucleotide variant.
Coding change: c.707+2T>C on transcript NM_138694.4 (MANE Select); the canonical splice donor site of the intron after coding-DNA position 707, T replaced by C.
Molecular consequence: splice donor variant.
Genome position (GRCh38, 1-based): chr6:52,070,404, A>G on the plus strand (T>C on the coding strand, the complement: PKHD1 is on the minus strand). VCF-style: chr6-52070404-A-G. GRCh37 (hg19) VCF-style: chr6-51935202-A-G.
Other names: c.707+2T>C (NM_170724.3).
Identifiers: ClinVar variation 550700 (VCV000550700.5), dbSNP rs1554222939, ClinGen allele CA364432788.
Genomic context (GRCh38, chr6:52,070,404, plus strand): 5'-TGAGAGAGATAGGTAATATAAAATGAAGACAAATTTGCCTATTTCTATACCCAGTTACTT[A>G]CTTTCCTTTGTTAAATACTGAGAAGCTAACATTCTGGGAGCCTGTAACACAAAGAAACAC-3'